The following is an entry in ClinVar:

NM_001201550.3(CFHR4):c.713A>C (p.Tyr238Ser)

Gene: CFHR4 (complement factor H related 4; plus strand). Cytogenetic location: 1q31.3.
Variant type: single nucleotide variant.
Coding change: c.713A>C on transcript NM_001201550.3 (MANE Select); coding-DNA position 713, A replaced by C.
Protein change: p.Tyr238Ser; replaces tyrosine 238 with serine.
Molecular consequence: missense variant. On other transcripts: intron variant (1).
Genome position (GRCh38, 1-based): chr1:196,907,412, A>C. VCF-style: chr1-196907412-A-C. GRCh37 (hg19) VCF-style: chr1-196876542-A-C.
Other names: p.Tyr237Ser; c.710A>C, p.Tyr237Ser (NM_001201551.2); c.256+4797A>C (NM_006684.5); short protein forms Y238S, Y237S.
Identifiers: ClinVar variation 2516488 (VCV002516488.3), dbSNP rs756672394, ClinGen allele CA1306916.
Genomic context (GRCh38, chr1:196,907,412, plus strand): 5'-GCAATGGAGATACCACGTCCTTCCCGCAAAAAGTGTATCTGCCATGGTCAAGAGTCGAGT[A>C]CCAGTGCCAGTCCTACTATGAACTTCAGGGTTCTAAATATGTAACATGTAGTAATGGAGA-3'
Protein context (NP_001188479.1, residues 228-248): KVYLPWSRVE[Tyr238Ser]QCQSYYELQG

ClinVar aggregate classification (germline): Uncertain significance. Review status: criteria provided, multiple submitters, no conflicts (2 of 4 stars). 2 submissions from 2 submitters: Uncertain significance (2). Last evaluated 2025-03-03.

Allele frequency attached by ClinVar (database versions not stated): ExAC 0.00001; gnomAD 0.00003; gnomAD exomes 0.00002.
gnomAD v4.1: 39 of 1,611,952 alleles (0.0024%); highest among the groups gnomAD compares: Non-Finnish European, 0.0031%; no homozygotes.

Submissions (2):

Mayo Clinic Laboratories, Mayo Clinic
Classification: Uncertain significance. Last evaluated: 2025-03-03. Review status: criteria provided, single submitter. Criteria: ACMG Guidelines, 2015. Collection method: clinical testing. Allele origin: germline. Observed: 1 variant allele.
Comment: PM2_supporting

Ambry Genetics
Classification: Uncertain significance. Last evaluated: 2023-05-31. Review status: criteria provided, single submitter. Criteria: Ambry Variant Classification Scheme 2023. Collection method: clinical testing. Allele origin: germline.